The following is an entry in ClinVar:

ClinVar aggregate classification (germline): Uncertain significance (1 of 4 stars; one submission).

gnomAD v4.1: 2 of 1,613,030 alleles (0.00012%); highest among the groups gnomAD compares: Non-Finnish European, 0.00017%; no homozygotes.

Submission:

Labcorp Genetics (formerly Invitae), Labcorp
Classification: Uncertain significance. Last evaluated: 2024-12-15. Review status: criteria provided, single submitter. Criteria: Invitae Variant Classification Sherloc (09022015). Collection method: clinical testing. Allele origin: germline.
Comment: This sequence change replaces glutamic acid, which is acidic and polar, with aspartic acid, which is acidic and polar, at codon 156 of the ZNF335 protein (p.Glu156Asp). This variant is not present in population databases (gnomAD no frequency). This variant has not been reported in the literature in individuals affected with ZNF335-related conditions. Invitae Evidence Modeling of protein sequence and biophysical properties (such as structural, functional, and spatial information, amino acid conservation, physicochemical variation, residue mobility, and thermodynamic stability) indicates that this missense variant is not expected to disrupt ZNF335 protein function with a negative predictive value of 80%. In summary, the available evidence is currently insufficient to determine the role of this variant in disease. Therefore, it has been classified as a Variant of Uncertain Significance.

NM_022095.4(ZNF335):c.468G>C (p.Glu156Asp)

Gene: ZNF335 (zinc finger protein 335; minus strand). Cytogenetic location: 20q13.12.
Variant type: single nucleotide variant.
Coding change: c.468G>C on transcript NM_022095.4 (MANE Select); coding-DNA position 468, G replaced by C.
Protein change: p.Glu156Asp; replaces glutamic acid 156 with aspartic acid.
Molecular consequence: missense variant.
Genome position (GRCh38, 1-based): chr20:45,968,337, C>G on the plus strand (G>C on the coding strand, the complement: ZNF335 is on the minus strand). VCF-style: chr20-45968337-C-G. GRCh37 (hg19) VCF-style: chr20-44596976-C-G.
Other names: short protein forms E156D.
Identifiers: ClinVar variation 3667150 (VCV003667150.2).